The following is an entry in ClinVar:

NM_005327.7(HADH):c.820G>A (p.Val274Met)

Gene: HADH (hydroxyacyl-CoA dehydrogenase; plus strand). Cytogenetic location: 4q25.
Variant type: single nucleotide variant.
Coding change: c.820G>A on transcript NM_005327.7 (MANE Select); coding-DNA position 820, G replaced by A.
Protein change: p.Val274Met; replaces valine 274 with methionine.
Molecular consequence: missense variant.
Genome position (GRCh38, 1-based): chr4:108,033,286, G>A. VCF-style: chr4-108033286-G-A. GRCh37 (hg19) VCF-style: chr4-108954442-G-A.
Other names: c.871G>A, p.Val291Met (NM_001184705.4); c.832G>A, p.Val278Met (NM_001331027.2); c.871G>A (NM_001184705.2); short protein forms V274M, V278M, V291M.
Identifiers: ClinVar variation 1024954 (VCV001024954.4), dbSNP rs543440046, ClinGen allele CA3037635.

ClinVar aggregate classification (germline): Conflicting classifications of pathogenicity. Review status: criteria provided, conflicting classifications (1 of 4 stars). 3 submissions from 3 submitters: Uncertain significance (2); Likely benign (1). Last evaluated 2024-12-21.

Conditions:
Deficiency of 3-hydroxyacyl-CoA dehydrogenase. Also called: 3-hydroxyacyl-CoA dehydrogenase deficiency; HADH DEFICIENCY. Identifiers: Orphanet 309127, Orphanet 71212, MedGen C1291230, MONDO:0017715, OMIM 231530.
HADH-related disorder. Also called: HADH-related condition.
Hyperinsulinemic hypoglycemia. Also called: Hyperinsulinemia hypoglycemia; Hyperinsulinemic hypoglycemia (disease). Identifiers: Orphanet 443095, MedGen C1864903, MONDO:0005803, HP:0000825.

Allele frequency attached by ClinVar (database versions not stated): gnomAD exomes 0.00001; gnomAD 0.00004 and 0.00005; TOPMed 0.00004; 1000 Genomes Project 30x 0.00016; 1000 Genomes Project 0.00020.
gnomAD v4.1: 16 of 1,486,700 alleles (0.0011%); highest among the groups gnomAD compares: Middle Eastern, 0.017%; no homozygotes.

Submissions (3):

PreventionGenetics, part of Exact Sciences
Classification: Uncertain significance for HADH-related condition. Last evaluated: 2024-12-21. Review status: criteria provided, single submitter. Criteria: ACMG Guidelines, 2015. Collection method: clinical testing. Allele origin: germline.
Comment: The HADH c.871G>A variant is predicted to result in the amino acid substitution p.Val291Met. To our knowledge, this variant has not been reported in the literature. This variant is reported in 0.016% of alleles in individuals of African descent in gnomAD. At this time, the clinical significance of this variant is uncertain due to the absence of conclusive functional and genetic evidence.

Labcorp Genetics (formerly Invitae), Labcorp
Classification: Uncertain significance for Deficiency of 3-hydroxyacyl-CoA dehydrogenase. Last evaluated: 2022-08-23. Review status: criteria provided, single submitter. Criteria: Invitae Variant Classification Sherloc (09022015). Collection method: clinical testing. Allele origin: germline.
Comment: This sequence change replaces valine, which is neutral and non-polar, with methionine, which is neutral and non-polar, at codon 274 of the HADH protein (p.Val274Met). This variant is present in population databases (rs543440046, gnomAD 0.02%). This variant has not been reported in the literature in individuals affected with HADH-related conditions. ClinVar contains an entry for this variant (Variation ID: 1024954). Algorithms developed to predict the effect of missense changes on protein structure and function output the following: SIFT: "Tolerated"; PolyPhen-2: "Benign"; Align-GVGD: "Class C0". The methionine amino acid residue is found in multiple mammalian species, which suggests that this missense change does not adversely affect protein function. In summary, the available evidence is currently insufficient to determine the role of this variant in disease. Therefore, it has been classified as a Variant of Uncertain Significance.

Clinical Genomics, Uppaluri K&H Personalized Medicine Clinic
Classification: Likely benign for Hyperinsulinemic hypoglycemia. Review status: criteria provided, single submitter. Criteria: K & H Uppaluri Personalized Medicine Clinic Variant Classification & Assertion Criteria_Updated V.1. Collection method: research. Allele origin: unknown. Inheritance: Autosomal recessive inheritance.
Comment: Potent mutations in HADH gene are associated with congenital hyperinsulinism, which leads to recurrent hypoglycemia. The condition is exacerbated by stress, fasting or excessive dietary protein. May respond well to diazoxide. However, the role of this particular variant rs543440046 in congenital hyperinsulinism is yet to be ascertained.

Literature cited by the submitters: PubMed 34547194 (cited by Clinical Genomics, Uppaluri K&H Personalized Medicine Clinic); PubMed 34055426 (cited by Clinical Genomics, Uppaluri K&H Personalized Medicine Clinic); PubMed 29280746 (cited by Clinical Genomics, Uppaluri K&H Personalized Medicine Clinic).